The following is an entry in ClinVar:

NM_000093.5(COL5A1):c.1318A>C (p.Thr440Pro)

Gene: COL5A1 (collagen type V alpha 1 chain; plus strand). Cytogenetic location: 9q34.3.
Variant type: single nucleotide variant.
Coding change: c.1318A>C on transcript NM_000093.5 (MANE Select); coding-DNA position 1318, A replaced by C.
Protein change: p.Thr440Pro; replaces threonine 440 with proline.
Molecular consequence: missense variant.
Genome position (GRCh38, 1-based): chr9:134,731,649, A>C. VCF-style: chr9-134731649-A-C. GRCh37 (hg19) VCF-style: chr9-137623495-A-C.
Other names: c.1318A>C, p.Thr440Pro (NM_001278074.1); short protein forms T440P.
Identifiers: ClinVar variation 1976494 (VCV001976494.6), dbSNP rs1049849467, ClinGen allele CA201108902.

ClinVar aggregate classification (germline): Uncertain significance. Review status: criteria provided, multiple submitters, no conflicts (2 of 4 stars). 2 submissions from 2 submitters: Uncertain significance (2). Last evaluated 2023-08-24.

Conditions:
Ehlers-Danlos syndrome, classic type, 1 (EDSCL1). Also called: EHLERS-DANLOS SYNDROME, GRAVIS TYPE; EHLERS-DANLOS SYNDROME, SEVERE CLASSIC TYPE; Ehlers-Danlos syndrome, type 1; EDS I; Ehlers-Danlos Syndrome, Classic Type, COL5A1-Related. Identifiers: MedGen C0268335, MONDO:0019567, OMIM 130000.

Allele frequency attached by ClinVar (database versions not stated): gnomAD exomes 0.00002.
gnomAD v4.1: 25 of 1,613,538 alleles (0.0015%); highest among the groups gnomAD compares: Non-Finnish European, 0.0021%; no homozygotes.

Submissions (2):

Women's Health and Genetics/Laboratory Corporation of America, LabCorp
Classification: Uncertain significance. Last evaluated: 2023-08-24. Review status: criteria provided, single submitter. Criteria: LabCorp Variant Classification Summary - May 2015. Collection method: clinical testing. Allele origin: germline.

Labcorp Genetics (formerly Invitae), Labcorp
Classification: Uncertain significance for Ehlers-Danlos syndrome, classic type, 1. Last evaluated: 2022-04-06. Review status: criteria provided, single submitter. Criteria: Invitae Variant Classification Sherloc (09022015). Collection method: clinical testing. Allele origin: germline.
Comment: In summary, the available evidence is currently insufficient to determine the role of this variant in disease. Therefore, it has been classified as a Variant of Uncertain Significance. Advanced modeling of protein sequence and biophysical properties (such as structural, functional, and spatial information, amino acid conservation, physicochemical variation, residue mobility, and thermodynamic stability) performed at Invitae indicates that this missense variant is not expected to disrupt COL5A1 protein function. This variant has not been reported in the literature in individuals affected with COL5A1-related conditions. This variant is not present in population databases (gnomAD no frequency). This sequence change replaces threonine, which is neutral and polar, with proline, which is neutral and non-polar, at codon 440 of the COL5A1 protein (p.Thr440Pro).